The following is an entry in ClinVar:

NM_017739.4(POMGNT1):c.768G>C (p.Trp256Cys)

Genes: POMGNT1 (protein O-linked mannose N-acetylglucosaminyltransferase 1 (beta 1,2-); minus strand), TSPAN1 (tetraspanin 1; plus strand). Cytogenetic location: 1p34.1.
Variant type: single nucleotide variant.
Coding change: c.768G>C on transcript NM_017739.4 (MANE Select); coding-DNA position 768, G replaced by C.
Protein change: p.Trp256Cys; replaces tryptophan 256 with cysteine.
Molecular consequence: missense variant.
Genome position (GRCh38, 1-based): chr1:46,194,385, C>G on the plus strand (G>C on the coding strand, the complement: POMGNT1 is on the minus strand). VCF-style: chr1-46194385-C-G. GRCh37 (hg19) VCF-style: chr1-46660057-C-G.
Other names: c.768G>C, p.Trp256Cys (NM_001243766.2, NM_001410783.1); c.702G>C, p.Trp234Cys (NM_001290129.3); c.339G>C, p.Trp113Cys (NM_001290130.2); short protein forms W234C, W256C, W113C.
Identifiers: ClinVar variation 2065024 (VCV002065024.1), dbSNP rs2525424848, ClinGen allele CA340183400.
Genomic context (GRCh38, chr1:46,194,385, plus strand): 5'-TCCATAGCCCTCAACTTTGCTGCAGAAGCGCCGGCGGCGACGGTTCAGCTCTGTGTCTGC[C>G]CAGTGGCACTCTGCCTCTGAGGGAAGGATGCGGTTGTCATGGAGGCATGGGGCCAGCAAG-3'
Protein context (NP_060209.4, residues 246-266): LSSAEEAECH[Trp256Cys]ADTELNRRRR

ClinVar aggregate classification (germline): Uncertain significance (1 of 4 stars; one submission).

Conditions:
Autosomal recessive limb-girdle muscular dystrophy type 2O. Also called: Limb-Girdle Muscular Dystrophy Type 3C; MUSCULAR DYSTROPHY-DYSTROGLYCANOPATHY (LIMB-GIRDLE), TYPE C, 3; MUSCULAR DYSTROPHY-DYSTROGLYCANOPATHY, LIMB-GIRDLE, POMGNT1-RELATED. Identifiers: Orphanet 206564, MedGen C3150417, MONDO:0013161, OMIM 613157.
Muscular dystrophy-dystroglycanopathy (congenital with impaired intellectual development), type B, 3. Also called: Muscular dystrophy-dystroglycanopathy (congenital with intellectual disability), type B3; MUSCULAR DYSTROPHY, CONGENITAL, POMGNT1-RELATED. Identifiers: MedGen C3150412, MONDO:0013155, OMIM 613151.

Submission:

Labcorp Genetics (formerly Invitae), Labcorp
Classification: Uncertain significance for Autosomal recessive limb-girdle muscular dystrophy type 2O; Muscular dystrophy-dystroglycanopathy (congenital with impaired intellectual development), type B, 3. Last evaluated: 2022-07-05. Review status: criteria provided, single submitter. Criteria: Invitae Variant Classification Sherloc (09022015). Collection method: clinical testing. Allele origin: germline.
Comment: This sequence change replaces tryptophan, which is neutral and slightly polar, with cysteine, which is neutral and slightly polar, at codon 256 of the POMGNT1 protein (p.Trp256Cys). This variant is not present in population databases (gnomAD no frequency). This variant has not been reported in the literature in individuals affected with POMGNT1-related conditions. Advanced modeling of protein sequence and biophysical properties (such as structural, functional, and spatial information, amino acid conservation, physicochemical variation, residue mobility, and thermodynamic stability) performed at Invitae indicates that this missense variant is not expected to disrupt POMGNT1 protein function. In summary, the available evidence is currently insufficient to determine the role of this variant in disease. Therefore, it has been classified as a Variant of Uncertain Significance.